The following is an entry in ClinVar:

NM_001613.4(ACTA2):c.1020dup (p.Val341fs)

Genes: ACTA2-AS1 (ACTA2 antisense RNA 1; plus strand), ACTA2 (actin alpha 2, smooth muscle; minus strand). Cytogenetic location: 10q23.31.
Variant type: Duplication.
Coding change: c.1020dup on transcript NM_001613.4 (MANE Select); coding-DNA position 1020, one base duplicated (T; older notation c.1020dupT).
Protein change: p.Val341fs; shifts the reading frame from valine 341.
Molecular consequence: frameshift variant. On other transcripts: non-coding transcript variant (1).
Genome position (GRCh38, 1-based): chr10:88,935,337, A duplicated on the plus strand (T on the coding strand, the reverse complement: ACTA2 is on the minus strand). VCF-style (leftmost placement, unchanged base first): chr10-88935336-C-CA. GRCh37 (hg19) VCF-style: chr10-90695093-C-CA.
Other names: c.1020dup, p.Val341Cysfs (NM_001141945.3, NM_001320855.2, NM_001406462.1 and 2 more transcripts); c.909dup, p.Val304Cysfs (NM_001406466.1); c.891dup, p.Val298Cysfs (NM_001406467.1, NM_001406468.1, NM_001406469.1); c.828dup, p.Val277Cysfs (NM_001406471.1); short protein forms V341fs.
Identifiers: ClinVar variation 2132735 (VCV002132735.4), dbSNP rs2494502333, ClinGen allele CA2580082241.

ClinVar aggregate classification (germline): Uncertain significance (1 of 4 stars; one submission).

Conditions:
Aortic aneurysm, familial thoracic 6 (AAT6). Also called: FAMILIAL THORACIC AORTIC ANEURYSM WITH LIVEDO RETICULARIS AND IRIS FLOCCULI. Identifiers: MedGen C2673186, MONDO:0012730, OMIM 611788.

Submission:

Labcorp Genetics (formerly Invitae), Labcorp
Classification: Uncertain significance for Aortic aneurysm, familial thoracic 6. Last evaluated: 2022-05-03. Review status: criteria provided, single submitter. Criteria: Invitae Variant Classification Sherloc (09022015). Collection method: clinical testing. Allele origin: germline.
Comment: This sequence change creates a premature translational stop signal (p.Val341Cysfs*26) in the ACTA2 gene. While this is not anticipated to result in nonsense mediated decay, it is expected to disrupt the last 37 amino acid(s) of the ACTA2 protein. This variant is not present in population databases (gnomAD no frequency). This variant has not been reported in the literature in individuals affected with ACTA2-related conditions. Experimental studies and prediction algorithms are not available or were not evaluated, and the functional significance of this variant is currently unknown. In summary, the available evidence is currently insufficient to determine the role of this variant in disease. Therefore, it has been classified as a Variant of Uncertain Significance.